The following is an entry in ClinVar:

ClinVar aggregate classification (germline): Uncertain significance. Review status: criteria provided, multiple submitters, no conflicts (2 of 4 stars). 2 submissions from 2 submitters: Uncertain significance (2). Last evaluated 2023-05-09.

Conditions:
Hereditary cancer-predisposing syndrome. Also called: Tumor predisposition; Neoplastic Syndromes, Hereditary; Hereditary Cancer Syndrome; Hereditary neoplastic syndrome. Identifiers: Orphanet 140162, MedGen C0027672, MeSH D009386, MONDO:0015356.

gnomAD v4.1: 1 of 1,613,912 alleles (0.000062%); highest among the groups gnomAD compares: Non-Finnish European, 0.000085%; no homozygotes.

Submissions (2):

Ambry Genetics
Classification: Uncertain significance for Hereditary cancer-predisposing syndrome. Last evaluated: 2023-05-09. Review status: criteria provided, single submitter. Criteria: Ambry Variant Classification Scheme 2023. Collection method: clinical testing. Allele origin: germline.
Comment: The p.H129R variant (also known as c.386A>G), located in coding exon 3 of the SMARCA4 gene, results from an A to G substitution at nucleotide position 386. The histidine at codon 129 is replaced by arginine, an amino acid with highly similar properties. This amino acid position is highly conserved in available vertebrate species. In addition, the in silico prediction for this alteration is inconclusive. Missense and in-frame variants in SMARCA4 are known to cause neurodevelopmental disorders; however, such associations with rhabdoid tumor predisposition syndrome including small cell carcinoma of the ovary-hypercalcemic type (SCCOHT) are exceedingly rare (Kosho T et al. Am J Med Genet C Semin Med Genet. 2014 Sep;166C(3):262-75; Jelinic P et al. Nat Genet. 2014 May;46(5):424-6). Based on the supporting evidence, the association of this alteration with Coffin-Siris syndrome is unknown; however, the association of this alteration with rhabdoid tumor predisposition syndrome is unlikely.

GeneDx
Classification: Uncertain significance. Last evaluated: 2020-03-05. Review status: criteria provided, single submitter. Criteria: GeneDx Variant Classification Process June 2021. Collection method: clinical testing. Allele origin: germline. Affected: yes.
Comment: Not observed in large population cohorts (Lek et al., 2016); In silico analysis supports that this missense variant has a deleterious effect on protein structure/function; Has not been previously published as pathogenic or benign to our knowledge

NM_003072.5(SMARCA4):c.386A>G (p.His129Arg)

Gene: SMARCA4 (SWI/SNF related BAF chromatin remodeling complex subunit ATPase 4; plus strand). Cytogenetic location: 19p13.2.
Variant type: single nucleotide variant.
Coding change: c.386A>G on transcript NM_003072.5 (MANE Select); coding-DNA position 386, A replaced by G.
Protein change: p.His129Arg; replaces histidine 129 with arginine.
Molecular consequence: missense variant. On other transcripts: non-coding transcript variant (1).
Genome position (GRCh38, 1-based): chr19:10,986,219, A>G. VCF-style: chr19-10986219-A-G. GRCh37 (hg19) VCF-style: chr19-11096895-A-G.
Other names: c.386A>G, p.His129Arg (NM_001128844.3, NM_001128845.2, NM_001128846.2 and 5 more transcripts); short protein forms H129R.
Identifiers: ClinVar variation 1312524 (VCV001312524.4), dbSNP rs2145772132, ClinGen allele CA404055708.